The following is an entry in ClinVar:

ClinVar aggregate classification (germline): Pathogenic (1 of 4 stars; one submission).

Conditions:
Parathyroid carcinoma (PRTC). Also called: CDC73-Related Parathyroid Carcinoma; Parathyroid gland carcinoma. Identifiers: Orphanet 143, MedGen C0687150, MONDO:0012004, OMIM 608266, HP:0006780.

Submission:

Labcorp Genetics (formerly Invitae), Labcorp
Classification: Pathogenic for Parathyroid carcinoma. Last evaluated: 2024-12-23. Review status: criteria provided, single submitter. Criteria: Invitae Variant Classification Sherloc (09022015). Collection method: clinical testing. Allele origin: germline.
Comment: This sequence change creates a premature translational stop signal (p.Gly416Alafs*12) in the CDC73 gene. It is expected to result in an absent or disrupted protein product. Loss-of-function variants in CDC73 are known to be pathogenic (PMID: 12434154). This variant is not present in population databases (gnomAD no frequency). This premature translational stop signal has been observed in individual(s) with a hyperparathyroidism-jaw tumor syndrome-related adenoma (PMID: 19017757). ClinVar contains an entry for this variant (Variation ID: 658249). For these reasons, this variant has been classified as Pathogenic.

Literature cited by the submitters: PubMed 12434154; PubMed 19017757.

NM_024529.5(CDC73):c.1247del (p.Gly416fs)

Gene: CDC73 (cell division cycle 73; plus strand). Cytogenetic location: 1q31.2.
Variant type: Deletion.
Coding change: c.1247del on transcript NM_024529.5 (MANE Select); coding-DNA position 1247, one base deleted (G; older notation c.1247delG).
Protein change: p.Gly416fs; shifts the reading frame from glycine 416.
Molecular consequence: frameshift variant.
Genome position (GRCh38, 1-based): chr1:193,233,085, G deleted; the last of 5 consecutive G bases (chr1:193,233,081-193,233,085); deleting any one gives the same sequence. VCF-style (leftmost placement, unchanged base first): chr1-193233080-AG-A. GRCh37 (hg19) VCF-style: chr1-193202210-AG-A.
Other names: c.1247delG (NM_024529.4); short protein forms G416fs.
Identifiers: ClinVar variation 658249 (VCV000658249.9), dbSNP rs1572215344, ClinGen allele CA915941932.
Genomic context (GRCh38, chr1:193,233,080, plus strand): 5'-ACAAGGTTGTCAACGAGAAAATGAAACTCTAATACAAAGAAGAAAAGACCAGATGCAACC[AG>A]GGGGCACTGCAATTAGTGTTACAGTACCTTATAGAGTAGTAGACCAGCCCCTTAAACTTA-3'